The following is an entry in ClinVar:

NM_000038.6(APC):c.6203T>C (p.Met2068Thr)

Gene: APC (APC regulator of Wnt signaling pathway; plus strand). Cytogenetic location: 5q22.2.
Variant type: single nucleotide variant.
Coding change: c.6203T>C on transcript NM_000038.6 (MANE Select); coding-DNA position 6203, T replaced by C.
Protein change: p.Met2068Thr; replaces methionine 2068 with threonine.
Molecular consequence: missense variant.
Genome position (GRCh38, 1-based): chr5:112,841,797, T>C. VCF-style: chr5-112841797-T-C. GRCh37 (hg19) VCF-style: chr5-112177494-T-C.
Other names: c.6203T>C, p.Met2068Thr (NM_001127510.3, NM_001354895.2); c.6149T>C, p.Met2050Thr (NM_001127511.3); c.6257T>C, p.Met2086Thr (NM_001354896.2); c.6233T>C, p.Met2078Thr (NM_001354897.2); c.6128T>C, p.Met2043Thr (NM_001354898.2); c.6119T>C, p.Met2040Thr (NM_001354899.2); c.6080T>C, p.Met2027Thr (NM_001354900.2); c.6026T>C, p.Met2009Thr (NM_001354901.2); and 5 more; short protein forms M2050T, M2068T, M1942T, M2040T, M1908T, M1977T, M2009T, M2027T.
Identifiers: ClinVar variation 216173 (VCV000216173.28), dbSNP rs863224547, ClinGen allele CA337302.
Genomic context (GRCh38, chr5:112,841,797, plus strand): 5'-CAAAAAAGAAAAAGCCTTCAAGACTCAAGGGTGATAATGAAAAACATAGTCCCAGAAATA[T>C]GGGTGGCATATTAGGTGAAGATCTGACACTTGATTTGAAAGATATACAGAGACCAGATTC-3'
Protein context (NP_000029.2, residues 2058-2078): GDNEKHSPRN[Met2068Thr]GGILGEDLTL

ClinVar aggregate classification (germline): Uncertain significance. Review status: criteria provided, multiple submitters, no conflicts (2 of 4 stars). 9 submissions from 9 submitters: Uncertain significance (9). Last evaluated 2026-02-27.

Conditions:
Classic or attenuated familial adenomatous polyposis. Identifiers: MedGen CN372698, MONDO:0021057.
Hereditary cancer-predisposing syndrome. Also called: Hereditary Cancer Syndrome; Tumor predisposition; Hereditary neoplastic syndrome; Neoplastic Syndromes, Hereditary. Identifiers: Orphanet 140162, MedGen C0027672, MeSH D009386, MONDO:0015356.
Familial adenomatous polyposis 1 (FAP1). Also called: FAMILIAL ADENOMATOUS POLYPOSIS 1, ATTENUATED; POLYPOSIS, ADENOMATOUS INTESTINAL. Identifiers: MedGen C2713442, MONDO:0021056, OMIM 175100. Disease mechanism: loss of function.

Allele frequency attached by ClinVar (database versions not stated): gnomAD 0.00001; gnomAD exomes below 0.00001.
gnomAD v4.1: 3 of 1,613,910 alleles (0.00019%); highest among the groups gnomAD compares: African/African-American, 0.0013%; no homozygotes.

Submissions (9):

Dasa
Classification: Uncertain significance. Last evaluated: 2026-02-27. Review status: criteria provided, single submitter. Criteria: DASA Assertion Criteria. Collection method: clinical testing. Allele origin: germline.
Comment: NM_000038.6(APC):c.6203T>C (p.Met2068Thr) is a missense variant that results in the substitution of methionine with threonine. This variant is rare in population databases. The currently available literature and clinical evidence are not sufficient to establish a definitive association between this variant and the reported condition. Therefore, this variant is classified as a variant of uncertain significance.

Labcorp Genetics (formerly Invitae), Labcorp
Classification: Uncertain significance for Familial adenomatous polyposis 1. Last evaluated: 2025-10-29. Review status: criteria provided, single submitter. Criteria: Invitae Variant Classification Sherloc (09022015). Collection method: clinical testing. Allele origin: germline.
Comment: This sequence change replaces methionine, which is neutral and non-polar, with threonine, which is neutral and polar, at codon 2068 of the APC protein (p.Met2068Thr). This variant is present in population databases (no rsID available, gnomAD 0.0009%). This variant has not been reported in the literature in individuals affected with APC-related conditions. ClinVar contains an entry for this variant (Variation ID: 216173). Invitae Evidence Modeling of protein sequence and biophysical properties (such as structural, functional, and spatial information, amino acid conservation, physicochemical variation, residue mobility, and thermodynamic stability) indicates that this missense variant is not expected to disrupt APC protein function with a negative predictive value of 95%. In summary, the available evidence is currently insufficient to determine the role of this variant in disease. Therefore, it has been classified as a Variant of Uncertain Significance.

Ambry Genetics
Classification: Uncertain significance for Hereditary cancer-predisposing syndrome. Last evaluated: 2025-07-15. Review status: criteria provided, single submitter. Criteria: Ambry Variant Classification Scheme 2023. Collection method: clinical testing. Allele origin: germline.
Comment: The p.M2068T variant (also known as c.6203T>C), located in coding exon 15 of the APC gene, results from a T to C substitution at nucleotide position 6203. The methionine at codon 2068 is replaced by threonine, an amino acid with similar properties. In one study, this variant was detected in 1/1324 individuals with colorectal cancer and 1/93 controls (DeRycke MS et al. Mol Genet Genomic Med, 2017 Sep;5:553-569). This amino acid position is poorly conserved in available vertebrate species. In addition, in silico predictors for this gene do not accurately predict pathogenicity. Missense alterations in APC are not a common cause of disease (Spier I et al. Genet Med. 2024 Feb;26(2):100992). Based on the available evidence, the clinical significance of this variant remains unclear.

Color Diagnostics, LLC DBA Color Health
Classification: Uncertain significance for Hereditary cancer-predisposing syndrome. Last evaluated: 2025-03-11. Review status: criteria provided, single submitter. Criteria: ACMG Guidelines, 2015. Collection method: clinical testing. Allele origin: germline.
Comment: This missense variant replaces methionine with threonine at codon 2068 of the APC protein. Computational prediction suggests that this variant may not impact protein structure and function. To our knowledge, functional studies have not been reported for this variant. This variant has not been reported in individuals affected with APC-related disorders in the literature. This variant has been identified in 1/250704 chromosomes in the general population by the Genome Aggregation Database (gnomAD). The available evidence is insufficient to determine the role of this variant in disease conclusively. Therefore, this variant is classified as a Variant of Uncertain Significance.

All of Us Research Program, National Institutes of Health
Classification: Uncertain significance for Classic or attenuated familial adenomatous polyposis. Last evaluated: 2024-03-24. Review status: criteria provided, single submitter. Criteria: ACMG Guidelines, 2015. Collection method: clinical testing. Allele origin: germline. Inheritance: Autosomal dominant inheritance. Observed: 1 variant allele, 1 heterozygote.
Comment: This missense variant replaces methionine with threonine at codon 2068 of the APC protein. Computational prediction suggests that this variant may not impact protein structure and function (internally defined REVEL score threshold <= 0.5, PMID: 27666373). To our knowledge, functional studies have not been reported for this variant. This variant has not been reported in individuals affected with APC-related disorders in the literature. This variant has been identified in 1/250704 chromosomes in the general population by the Genome Aggregation Database (gnomAD). The available evidence is insufficient to determine the role of this variant in disease conclusively. Therefore, this variant is classified as a Variant of Uncertain Significance.

This study involves interpretation of variants in research participants for the purpose of population health screening. Participant phenotype was not available at the time of variant classification. Additional details can be found in publication PMID: 35346344, PMCID: PMC8962531

Baylor Genetics
Classification: Uncertain significance for Familial adenomatous polyposis 1. Last evaluated: 2024-01-17. Review status: criteria provided, single submitter. Criteria: ACMG Guidelines, 2015. Collection method: clinical testing. Allele origin: unknown.

GeneDx
Classification: Uncertain significance. Last evaluated: 2023-06-29. Review status: criteria provided, single submitter. Criteria: GeneDx Variant Classification Process June 2021. Collection method: clinical testing. Allele origin: germline. Affected: yes.
Comment: Not observed at significant frequency in large population cohorts (gnomAD); In silico analysis supports that this missense variant does not alter protein structure/function; Has not been previously published as pathogenic or benign to our knowledge

Mendelics
Classification: Uncertain significance. Last evaluated: 2022-05-04. Review status: criteria provided, single submitter. Criteria: Mendelics Assertion Criteria 2019. Collection method: clinical testing. Allele origin: germline.

Women's Health and Genetics/Laboratory Corporation of America, LabCorp
Classification: Uncertain significance. Last evaluated: 2019-09-20. Review status: criteria provided, single submitter. Criteria: LabCorp Variant Classification Summary - May 2015. Collection method: clinical testing. Allele origin: germline.
Comment: Variant summary: APC c.6203T>C (p.Met2068Thr) results in a non-conservative amino acid change in the encoded protein sequence. Four of five in-silico tools predict a benign effect of the variant on protein function. The variant allele was found at a frequency of 4e-06 in 250704 control chromosomes (gnomAD). The available data on variant occurrences in the general population are insufficient to allow any conclusion about variant significance. To our knowledge, no occurrence of c.6203T>C in individuals affected with Familial Adenomatous Polyposis and no experimental evidence demonstrating its impact on protein function have been reported. Three clinical diagnostic laboratories have submitted clinical-significance assessments for this variant to ClinVar after 2014 without evidence for independent evaluation. All laboratories classified the variant as uncertain significance. Based on the evidence outlined above, the variant was classified as uncertain significance.

Literature cited by the submitters: PubMed 28944238 (cited by Ambry Genetics).